The following is an entry in ClinVar:

ClinVar aggregate classification (germline): Uncertain significance (1 of 4 stars; one submission).

Allele frequency attached by ClinVar (database versions not stated): ExAC 0.00002; gnomAD 0.00002; TOPMed 0.00002.
gnomAD v4.1: 35 of 1,613,808 alleles (0.0022%); highest among the groups gnomAD compares: South Asian, 0.0055%; no homozygotes.

Submission:

Labcorp Genetics (formerly Invitae), Labcorp
Classification: Uncertain significance. Last evaluated: 2024-02-24. Review status: criteria provided, single submitter. Criteria: Invitae Variant Classification Sherloc (09022015). Collection method: clinical testing. Allele origin: germline.
Comment: This sequence change replaces aspartic acid, which is acidic and polar, with asparagine, which is neutral and polar, at codon 609 of the ANK3 protein (p.Asp609Asn). This variant is present in population databases (rs200194900, gnomAD 0.007%). This variant has not been reported in the literature in individuals affected with ANK3-related conditions. ClinVar contains an entry for this variant (Variation ID: 2075892). Advanced modeling of protein sequence and biophysical properties (such as structural, functional, and spatial information, amino acid conservation, physicochemical variation, residue mobility, and thermodynamic stability) performed at Invitae indicates that this missense variant is not expected to disrupt ANK3 protein function with a negative predictive value of 80%. In summary, the available evidence is currently insufficient to determine the role of this variant in disease. Therefore, it has been classified as a Variant of Uncertain Significance.

NM_020987.5(ANK3):c.1825G>A (p.Asp609Asn)

Gene: ANK3 (ankyrin 3; minus strand). Cytogenetic location: 10q21.2.
Variant type: single nucleotide variant.
Coding change: c.1825G>A on transcript NM_020987.5 (MANE Select); coding-DNA position 1825, G replaced by A.
Protein change: p.Asp609Asn; replaces aspartic acid 609 with asparagine.
Molecular consequence: missense variant.
Genome position (GRCh38, 1-based): chr10:60,196,207, C>T on the plus strand (G>A on the coding strand, the complement: ANK3 is on the minus strand). VCF-style: chr10-60196207-C-T. GRCh37 (hg19) VCF-style: chr10-61955965-C-T.
Other names: c.1807G>A, p.Asp603Asn (NM_001204403.2); c.1774G>A, p.Asp592Asn (NM_001204404.2); c.1825G>A, p.Asp609Asn (NM_001320874.2); short protein forms D592N, D603N, D609N.
Identifiers: ClinVar variation 2075892 (VCV002075892.4), dbSNP rs200194900, ClinGen allele CA5513012.
Genomic context (GRCh38, chr10:60,196,207, plus strand): 5'-TTGCGGCTGCGTGAGGTGAGGCTCCTTGGTCCAAAAGCAGAAGGGCCACTTTCTGATTAT[C>T]GTAATGTGCAGCTACATGCAGTGGTGTTAGCCCGCTCTGAAAACACGTGCAGAAACAACA-3'
Protein context (NP_066267.2, residues 599-619): LTPLHVAAHY[Asp609Asn]NQKVALLLLD